The following is an entry in ClinVar:

NM_006364.4(SEC23A):c.516G>C (p.Met172Ile)

Gene: SEC23A (SEC23 homolog A, COPII component; minus strand). Cytogenetic location: 14q21.1.
Variant type: single nucleotide variant.
Coding change: c.516G>C on transcript NM_006364.4 (MANE Select); coding-DNA position 516, G replaced by C.
Protein change: p.Met172Ile; replaces methionine 172 with isoleucine.
Molecular consequence: missense variant.
Genome position (GRCh38, 1-based): chr14:39,091,564, C>G on the plus strand (G>C on the coding strand, the complement: SEC23A is on the minus strand). VCF-style: chr14-39091564-C-G. GRCh37 (hg19) VCF-style: chr14-39560768-C-G.
Other names: short protein forms M172I.
Identifiers: ClinVar variation 2712714 (VCV002712714.3), dbSNP rs369340802, ClinGen allele CA7162122.

ClinVar aggregate classification (germline): Uncertain significance (1 of 4 stars; one submission).

Conditions:
Craniolenticulosutural dysplasia (CLSD). Also called: BOYADJIEV-JABS SYNDROME. Identifiers: Orphanet 50814, MedGen C1843042, MONDO:0011911, OMIM 607812.

Allele frequency attached by ClinVar (database versions not stated): ExAC 0.00002; gnomAD 0.00003; TOPMed 0.00003; ESP Exome Variant Server 0.00008.

Submission:

Labcorp Genetics (formerly Invitae), Labcorp
Classification: Uncertain significance for Craniolenticulosutural dysplasia. Last evaluated: 2023-12-01. Review status: criteria provided, single submitter. Criteria: Invitae Variant Classification Sherloc (09022015). Collection method: clinical testing. Allele origin: germline.
Comment: This sequence change replaces methionine, which is neutral and non-polar, with isoleucine, which is neutral and non-polar, at codon 172 of the SEC23A protein (p.Met172Ile). This variant is present in population databases (rs369340802, gnomAD 0.01%). This variant has not been reported in the literature in individuals affected with SEC23A-related conditions. Advanced modeling of protein sequence and biophysical properties (such as structural, functional, and spatial information, amino acid conservation, physicochemical variation, residue mobility, and thermodynamic stability) performed at Invitae indicates that this missense variant is not expected to disrupt SEC23A protein function with a negative predictive value of 80%. In summary, the available evidence is currently insufficient to determine the role of this variant in disease. Therefore, it has been classified as a Variant of Uncertain Significance.